The following is an entry in ClinVar:

ClinVar aggregate classification (germline): Uncertain significance (1 of 4 stars; one submission).

Conditions:
Hereditary cancer-predisposing syndrome. Also called: Neoplastic Syndromes, Hereditary; Hereditary neoplastic syndrome; Tumor predisposition; Hereditary Cancer Syndrome. Identifiers: Orphanet 140162, MedGen C0027672, MeSH D009386, MONDO:0015356.

Submission:

Ambry Genetics
Classification: Uncertain significance for Hereditary cancer-predisposing syndrome. Last evaluated: 2026-01-30. Review status: criteria provided, single submitter. Criteria: Ambry Variant Classification Scheme 2023. Collection method: clinical testing. Allele origin: germline.
Comment: The p.L1683F variant (also known as c.5047C>T), located in coding exon 22 of the DICER1 gene, results from a C to T substitution at nucleotide position 5047. The leucine at codon 1683 is replaced by phenylalanine, an amino acid with highly similar properties. This amino acid position is highly conserved in available vertebrate species. In addition, this alteration is predicted to be deleterious by in silico analysis. Based on the available evidence, the clinical significance of this variant remains unclear.

NM_177438.3(DICER1):c.5047C>T (p.Leu1683Phe)

Gene: DICER1 (dicer 1, ribonuclease III; minus strand). Cytogenetic location: 14q32.13.
Variant type: single nucleotide variant.
Coding change: c.5047C>T on transcript NM_177438.3 (MANE Select); coding-DNA position 5047, C replaced by T.
Protein change: p.Leu1683Phe; replaces leucine 1683 with phenylalanine.
Molecular consequence: missense variant. On other transcripts: non-coding transcript variant (6).
Genome position (GRCh38, 1-based): chr14:95,095,873, G>A on the plus strand (C>T on the coding strand, the complement: DICER1 is on the minus strand). VCF-style: chr14-95095873-G-A. GRCh37 (hg19) VCF-style: chr14-95562210-G-A.
Other names: c.5047C>T, p.Leu1683Phe (NM_001195573.1, NM_001271282.3, NM_001291628.2 and 12 more transcripts); c.4765C>T, p.Leu1589Phe (NM_001395686.1); c.4642C>T, p.Leu1548Phe (NM_001395687.1, NM_001395688.1, NM_001395689.1 and 2 more transcripts); c.4480C>T, p.Leu1494Phe (NM_001395691.1); c.3364C>T, p.Leu1122Phe (NM_001395697.1); short protein forms L1683F, L1122F, L1548F, L1494F, L1589F.
Identifiers: ClinVar variation 4824638 (VCV004824638.1).